The following is an entry in ClinVar:

NM_001348768.2(HECW2):c.2661G>A (p.Glu887=)

Gene: HECW2 (HECT, C2 and WW domain containing E3 ubiquitin protein ligase 2; minus strand). Cytogenetic location: 2q32.3.
Variant type: single nucleotide variant.
Coding change: c.2661G>A on transcript NM_001348768.2 (MANE Select); coding-DNA position 2661, G replaced by A.
Protein change: p.Glu887=; no amino-acid change (glutamic acid 887 retained).
Molecular consequence: synonymous variant.
Genome position (GRCh38, 1-based): chr2:196,307,158, C>T on the plus strand (G>A on the coding strand, the complement: HECW2 is on the minus strand). VCF-style: chr2-196307158-C-T. GRCh37 (hg19) VCF-style: chr2-197171882-C-T.
Other names: c.1593G>A, p.Glu531= (NM_001304840.3); c.2661G>A, p.Glu887= (NM_020760.4).
Identifiers: ClinVar variation 729410 (VCV000729410.6), dbSNP rs978026475, ClinGen allele CA62774716.
Genomic context (GRCh38, chr2:196,307,158, plus strand): 5'-GAAATTACAAAAACAAAGCCCAAAGCTCTTACCTGCACTGGCTTGGTGAAAGTCAGCTTC[C>T]TCCCCTGCCCCATCAATAGCATTGGTATTTTCCTCAGGCCTCTCATTGGTCATGGTTCTG-3'
Protein context (NP_001335697.1, residues 877-897): ENTNAIDGAG[Glu887=]EADFHQASAD

ClinVar aggregate classification (germline): Likely benign. Review status: criteria provided, multiple submitters, no conflicts (2 of 4 stars). 3 submissions from 3 submitters: Likely benign (2). 1 of the submissions does not count toward it. Last evaluated 2024-11-14.

Conditions:
HECW2-related disorder. Also called: HECW2-related condition.

Allele frequency attached by ClinVar (database versions not stated): gnomAD exomes below 0.00001.
gnomAD v4.1: 7 of 1,613,732 alleles (0.00043%); highest among the groups gnomAD compares: African/African-American, 0.0013%; no homozygotes.

Submissions (3):

Blueprint Genetics
Classification: Likely benign. Last evaluated: 2024-11-14. Review status: criteria provided, single submitter. Criteria: ACMG Guidelines, 2015. Collection method: clinical testing. Allele origin: germline.

Labcorp Genetics (formerly Invitae), Labcorp
Classification: Likely benign. Last evaluated: 2017-10-13. Review status: criteria provided, single submitter. Criteria: Invitae Variant Classification Sherloc (09022015). Collection method: clinical testing. Allele origin: germline.

PreventionGenetics, part of Exact Sciences
Classification: Likely benign for HECW2-related condition. Last evaluated: 2019-07-10. Review status: no assertion criteria provided. Collection method: clinical testing. Allele origin: germline. Not counted in ClinVar's aggregate classification.
Comment: This variant is classified as likely benign based on ACMG/AMP sequence variant interpretation guidelines (Richards et al. 2015 PMID: 25741868, with internal and published modifications).